The following is an entry in ClinVar:

ClinVar aggregate classification (germline): Uncertain significance (1 of 4 stars; one submission).

Conditions:
Schwartz-Jampel syndrome type 1 (SJS1). Also called: MYOTONIC MYOPATHY, DWARFISM, CHONDRODYSTROPHY, AND OCULAR AND FACIAL ABNORMALITIES; CHONDRODYSTROPHIC MYOTONIA. Identifiers: MedGen C4551479, MONDO:0100435, OMIM 255800.
Lethal Kniest-like syndrome (DDSH). Also called: Dyssegmental Dysplasia. Identifiers: Orphanet 1865, MedGen C1857100, MONDO:0009140, OMIM 224410.

Submission:

Juno Genomics, Hangzhou Juno Genomics, Inc
Classification: Uncertain significance for Lethal Kniest-like syndrome; Schwartz-Jampel syndrome type 1. Review status: criteria provided, single submitter. Criteria: ACMG Guidelines, 2015. Collection method: clinical testing. Allele origin: germline.
Comment: Absent from controls (or at extremely low frequency if recessive) in Genome Aggregation Database.;Protein length changes due to in-frame deletions/insertions in a non-repeat region or stop-loss variants.

NM_005529.7(HSPG2):c.22GCGCTGCTGCTG[3] (p.Leu15_His16insAlaLeuLeuLeu)

Gene: HSPG2 (heparan sulfate proteoglycan 2; minus strand). Cytogenetic location: 1p36.12.
Variant type: Microsatellite.
Coding change: c.22GCGCTGCTGCTG[3] on transcript NM_005529.7 (MANE Select); three copies in a row of the 12-base unit GCGCTGCTGCTG starting at c.22; the reference has two copies in a row; one copy, 12 bases duplicated; also written c.34_45dup.
Protein change: p.Leu15_His16insAlaLeuLeuLeu.
Molecular consequence: inframe insertion.
Genome position (GRCh38, 1-based): chr1:21,937,173-21,937,184, CAGCAGCAGCGC duplicated on the plus strand (GCGCTGCTGCTG on the coding strand, the reverse complement: HSPG2 is on the minus strand); duplicating any 12 consecutive bases within chr1:21,937,173-21,937,196 gives the same sequence; the position shown is the placement nearest the transcript's 3' end. VCF-style (leftmost placement, unchanged base first): chr1-21937172-G-GCAGCAGCAGCGC. GRCh37 (hg19) VCF-style: chr1-22263665-G-GCAGCAGCAGCGC.
Other names: c.22GCGCTGCTGCTG[3], p.Leu15_His16insAlaLeuLeuLeu (NM_001291860.2); c.34_45dup (NM_005529.7).
Identifiers: ClinVar variation 5006102 (VCV005006102.2).